The following is an entry in ClinVar:

ClinVar aggregate classification (germline): Likely benign (1 of 4 stars; one submission).

Submission:

CeGaT Center for Human Genetics Tuebingen
Classification: Likely benign. Last evaluated: 2026-05-01. Review status: criteria provided, single submitter. Criteria: CeGaT Center For Human Genetics Tuebingen Variant Classification Criteria Version 2. Collection method: clinical testing. Allele origin: germline. Affected: yes. Observed: 1 variant allele.
Comment: RHOBTB2: PM2:Supporting, BP4, BP7

NM_015178.3(RHOBTB2):c.240G>C (p.Leu80=)

Gene: RHOBTB2 (Rho related BTB domain containing 2; plus strand). Cytogenetic location: 8p21.3.
Variant type: single nucleotide variant.
Coding change: c.240G>C on transcript NM_015178.3 (MANE Select); coding-DNA position 240, G replaced by C.
Protein change: p.Leu80=; no amino-acid change (leucine 80 retained).
Molecular consequence: synonymous variant.
Genome position (GRCh38, 1-based): chr8:23,005,419, G>C. VCF-style: chr8-23005419-G-C. GRCh37 (hg19) VCF-style: chr8-22862932-G-C.
Other names: c.306G>C, p.Leu102= (NM_001160036.2); c.261G>C, p.Leu87= (NM_001160037.2); c.240G>C, p.Leu80= (NM_001374791.1).
Identifiers: ClinVar variation 4872799 (VCV004872799.2).